The following is an entry in ClinVar:

ClinVar aggregate classification (germline): Likely benign. Review status: criteria provided, multiple submitters, no conflicts (2 of 4 stars). 2 submissions from 2 submitters: Likely benign (2). Last evaluated 2025-04-01.

Conditions:
Deficiency of malonyl-CoA decarboxylase. Also called: Malonic aciduria; MCD deficiency. Identifiers: Orphanet 943, MedGen C0342793, MONDO:0009556, OMIM 248360.

Allele frequency attached by ClinVar (database versions not stated): TOPMed 0.00001; ExAC 0.00002; gnomAD exomes 0.00002; gnomAD 0.00003; 1000 Genomes Project 30x 0.00016; 1000 Genomes Project 0.00020.
gnomAD v4.1: 35 of 1,614,258 alleles (0.0022%); highest among the groups gnomAD compares: South Asian, 0.02%; 2 homozygotes.

Submissions (2):

CeGaT Center for Human Genetics Tuebingen
Classification: Likely benign. Last evaluated: 2025-04-01. Review status: criteria provided, single submitter. Criteria: CeGaT Center For Human Genetics Tuebingen Variant Classification Criteria Version 2. Collection method: clinical testing. Allele origin: germline. Affected: yes. Observed: 1 variant allele.
Comment: MLYCD: BP4, BP7

Labcorp Genetics (formerly Invitae), Labcorp
Classification: Likely benign for Deficiency of malonyl-CoA decarboxylase. Last evaluated: 2023-10-24. Review status: criteria provided, single submitter. Criteria: Invitae Variant Classification Sherloc (09022015). Collection method: clinical testing. Allele origin: germline.

NM_012213.3(MLYCD):c.1092G>A (p.Ser364=)

Gene: MLYCD (malonyl-CoA decarboxylase; plus strand). Cytogenetic location: 16q23.3.
Variant type: single nucleotide variant.
Coding change: c.1092G>A on transcript NM_012213.3 (MANE Select); coding-DNA position 1092, G replaced by A.
Protein change: p.Ser364=; no amino-acid change (serine 364 retained).
Molecular consequence: synonymous variant.
Genome position (GRCh38, 1-based): chr16:83,915,099, G>A. VCF-style: chr16-83915099-G-A. GRCh37 (hg19) VCF-style: chr16-83948704-G-A.
Identifiers: ClinVar variation 2083791 (VCV002083791.11), dbSNP rs181840735, ClinGen allele CA8197506.